The following is an entry in ClinVar:

ClinVar aggregate classification (germline): Conflicting classifications of pathogenicity. Review status: criteria provided, conflicting classifications (1 of 4 stars). 2 submissions from 2 submitters: Pathogenic (1); Uncertain significance (1). Last evaluated 2025-07-11.

Conditions:
Osteogenesis imperfecta type 8 (OI8). Identifiers: MedGen C1970458, MONDO:0012581, OMIM 610915.

Allele frequency attached by ClinVar (database versions not stated): gnomAD exomes below 0.00001.
gnomAD v4.1: 7 of 1,614,210 alleles (0.00043%); highest among the groups gnomAD compares: Non-Finnish European, 0.00059%; no homozygotes.

Submissions (2):

Women's Health and Genetics/Laboratory Corporation of America, LabCorp
Classification: Uncertain significance. Last evaluated: 2025-07-11. Review status: criteria provided, single submitter. Criteria: LabCorp Variant Classification Summary - May 2015. Collection method: clinical testing. Allele origin: germline.
Comment: Variant summary: P3H1 c.1345G>A (p.Gly449Ser) results in a non-conservative amino acid change in the encoded protein sequence. Algorithms developed to predict the effect of missense changes on protein structure and function are either unavailable or do not agree on the potential impact of this missense change. This variant alters a conserved nucleotide located in the last nucleotide of exon 8 (designated as the exonic splice region). Several computational tools predict a significant impact on normal splicing: Three predict the variant weakens the canonical 5' splicing donor site. One predicts the variant abolishes the canonical 5 splicing donor site. A different nucleotide change at the same location (c.1345G>C; p.Gly449Arg) has been reported to alter splicing with the authors speculating that c.1345G>A variant should result in a similar outcome (Pepin_2013). However, these predictions have yet to be confirmed by functional studies. The variant was absent in 251456 control chromosomes in gnomAD. c.1345G>A has been reported at a homozygous state in at-least one individual affected with Autosomal recessive Osteogenesis Imperfecta (OI) and listed without a second allele or genotype specification among mutations in individuals with recessive OI (e.g., Bardai_2016, Pepin_2013). These data indicate that the variant may be associated with disease. To our knowledge, no experimental evidence demonstrating an impact on protein function has been reported. The following publications have been ascertained in the context of this evaluation (PMID: 27509835, 24498616). ClinVar contains an entry for this variant (Variation ID: 2577147). Based on the evidence outlined above, the variant was classified as VUS-possibly pathogenic.

Labcorp Genetics (formerly Invitae), Labcorp
Classification: Pathogenic for Osteogenesis imperfecta type 8. Last evaluated: 2023-07-06. Review status: criteria provided, single submitter. Criteria: Invitae Variant Classification Sherloc (09022015). Collection method: clinical testing. Allele origin: germline.
Comment: This sequence change replaces glycine, which is neutral and non-polar, with serine, which is neutral and polar, at codon 449 of the P3H1 protein (p.Gly449Ser). This variant also falls at the last nucleotide of exon 8, which is part of the consensus splice site for this exon. This variant is not present in population databases (gnomAD no frequency). This missense change has been observed in individual(s) with osteogenesis imperfecta (PMID: 24498616, 27509835). An algorithm developed to predict the effect of missense changes on protein structure and function (PolyPhen-2) suggests that this variant is likely to be disruptive. Variants that disrupt the consensus splice site are a relatively common cause of aberrant splicing (PMID: 17576681, 9536098). Algorithms developed to predict the effect of sequence changes on RNA splicing suggest that this variant may disrupt the consensus splice site. For these reasons, this variant has been classified as Pathogenic.

Literature cited by the submitters: PubMed 27509835 (cited by Women's Health and Genetics/Laboratory Corporation of America, LabCorp and Labcorp Genetics (formerly Invitae), Labcorp); PubMed 24498616 (cited by Women's Health and Genetics/Laboratory Corporation of America, LabCorp and Labcorp Genetics (formerly Invitae), Labcorp); PubMed 17576681 (cited by Labcorp Genetics (formerly Invitae), Labcorp); PubMed 9536098 (cited by Labcorp Genetics (formerly Invitae), Labcorp).

NM_022356.4(P3H1):c.1345G>A (p.Gly449Ser)

Gene: P3H1 (prolyl 3-hydroxylase 1; minus strand). Cytogenetic location: 1p34.2.
Variant type: single nucleotide variant.
Coding change: c.1345G>A on transcript NM_022356.4 (MANE Select); coding-DNA position 1345, G replaced by A.
Protein change: p.Gly449Ser; replaces glycine 449 with serine.
Molecular consequence: missense variant.
Genome position (GRCh38, 1-based): chr1:42,754,869, C>T on the plus strand (G>A on the coding strand, the complement: P3H1 is on the minus strand). VCF-style: chr1-42754869-C-T. GRCh37 (hg19) VCF-style: chr1-43220540-C-T.
Other names: c.1345G>A, p.Gly449Ser (NM_001146289.2, NM_001243246.2); short protein forms G449S.
Identifiers: ClinVar variation 2577147 (VCV002577147.6), dbSNP rs2524449692, ClinGen allele CA339957366.
Genomic context (GRCh38, chr1:42,754,869, plus strand): 5'-GGGGTGACCTGCCTGGCTCCCTGACAACAGCCAGACATGCCCCTATTTCTGTCCTCTCAC[C>T]TTCCCGGGTCAGTCTGCTCACATCCAGTGACTCCTTGGTCTTCTCTTCCACAAGGGTCTC-3'
Protein context (NP_071751.3, residues 439-459): SLDVSRLTRE[Gly449Ser]GPLLYEGISL